The following is an entry in ClinVar:

NM_024928.5(STN1):c.591C>T (p.Gly197=)

Gene: STN1 (STN1 subunit of CST complex; minus strand). Cytogenetic location: 10q24.33.
Variant type: single nucleotide variant.
Coding change: c.591C>T on transcript NM_024928.5 (MANE Select); coding-DNA position 591, C replaced by T.
Protein change: p.Gly197=; no amino-acid change (glycine 197 retained).
Molecular consequence: synonymous variant.
Genome position (GRCh38, 1-based): chr10:103,897,710, G>A on the plus strand (C>T on the coding strand, the complement: STN1 is on the minus strand). VCF-style: chr10-103897710-G-A. GRCh37 (hg19) VCF-style: chr10-105657468-G-A.
Other names: c.591C>T (NM_024928.4).
Identifiers: ClinVar variation 2181104 (VCV002181104.6), dbSNP rs772601033, ClinGen allele CA5676563.

ClinVar aggregate classification (germline): Likely benign. Review status: criteria provided, single submitter (1 of 4 stars). 2 submissions from 2 submitters: Likely benign (1). 1 of the submissions does not count toward it. Last evaluated 2025-12-22.

Conditions:
STN1-related disorder. Also called: STN1-related condition.

Allele frequency attached by ClinVar (database versions not stated): ExAC 0.00004; gnomAD 0.00004.
gnomAD v4.1: 70 of 1,613,872 alleles (0.0043%); highest among the groups gnomAD compares: African/African-American, 0.0067%; no homozygotes.

Submissions (2):

Labcorp Genetics (formerly Invitae), Labcorp
Classification: Likely benign. Last evaluated: 2025-12-22. Review status: criteria provided, single submitter. Criteria: Invitae Variant Classification Sherloc (09022015). Collection method: clinical testing. Allele origin: germline.

PreventionGenetics, part of Exact Sciences
Classification: Likely benign for STN1-related condition. Last evaluated: 2023-12-13. Review status: no assertion criteria provided. Collection method: clinical testing. Allele origin: germline. Not counted in ClinVar's aggregate classification.
Comment: This variant is classified as likely benign based on ACMG/AMP sequence variant interpretation guidelines (Richards et al. 2015 PMID: 25741868, with internal and published modifications).